The following is an entry in ClinVar:

NM_153460.4(IL17RC):c.700G>A (p.Gly234Ser)

Gene: IL17RC (interleukin 17 receptor C; plus strand). Cytogenetic location: 3p25.3.
Variant type: single nucleotide variant.
Coding change: c.700G>A on transcript NM_153460.4 (MANE Select); coding-DNA position 700, G replaced by A.
Protein change: p.Gly234Ser; replaces glycine 234 with serine.
Molecular consequence: missense variant. On other transcripts: non-coding transcript variant (1).
Genome position (GRCh38, 1-based): chr3:9,923,958, G>A. VCF-style: chr3-9923958-G-A. GRCh37 (hg19) VCF-style: chr3-9965642-G-A.
Other names: c.700G>A, p.Gly234Ser (NM_001203263.2, NM_001203264.2, NM_001367278.1); c.655G>A, p.Gly219Ser (NM_001203265.2, NM_001367280.1, NM_032732.6); c.580G>A, p.Gly194Ser (NM_001367279.1); c.913G>A, p.Gly305Ser (NM_153461.4); short protein forms G194S, G219S, G305S, G234S.
Identifiers: ClinVar variation 640572 (VCV000640572.8), dbSNP rs145374241, ClinGen allele CA2246929.
Genomic context (GRCh38, chr3:9,923,958, plus strand): 5'-GTGTCAGCAGATGGTGACAACGTGCATCTGGTTCTGAATGTCTCTGAGGAGCAGCACTTC[G>A]GCCTCTCCCTGTACTGGAATCAGGTCCAGGGCCCCCCAAAACCCCGGTGGCACAAAAACC-3'
Protein context (NP_703190.2, residues 224-244): VLNVSEEQHF[Gly234Ser]LSLYWNQVQG

ClinVar aggregate classification (germline): Conflicting classifications of pathogenicity. Review status: criteria provided, conflicting classifications (1 of 4 stars). 2 submissions from 2 submitters: Uncertain significance (1); Likely benign (1). Last evaluated 2026-01-05.

Conditions:
Candidiasis, familial, 9 (CANDF9). Identifiers: Orphanet 1334, MedGen C4225324, MONDO:0014642, OMIM 616445.

Allele frequency attached by ClinVar (database versions not stated): gnomAD 0.00003; TOPMed 0.00013; ESP Exome Variant Server 0.00031.
gnomAD v4.1: 322 of 1,613,972 alleles (0.02%); highest among the groups gnomAD compares: East Asian, 0.13%; no homozygotes.

Submissions (2):

Labcorp Genetics (formerly Invitae), Labcorp
Classification: Uncertain significance for Candidiasis, familial, 9. Last evaluated: 2026-01-05. Review status: criteria provided, single submitter. Criteria: Invitae Variant Classification Sherloc (09022015). Collection method: clinical testing. Allele origin: germline.
Comment: This sequence change replaces glycine, which is neutral and non-polar, with serine, which is neutral and polar, at codon 305 of the IL17RC protein (p.Gly305Ser). This variant is present in population databases (rs145374241, gnomAD 0.05%). This variant has not been reported in the literature in individuals affected with IL17RC-related conditions. ClinVar contains an entry for this variant (Variation ID: 640572). An algorithm developed to predict the effect of missense changes on protein structure and function outputs the following: PolyPhen-2: "Benign". The serine amino acid residue is found in multiple mammalian species, which suggests that this missense change does not adversely affect protein function. In summary, the available evidence is currently insufficient to determine the role of this variant in disease. Therefore, it has been classified as a Variant of Uncertain Significance.

Blueprint Genetics
Classification: Likely benign. Last evaluated: 2023-06-07. Review status: criteria provided, single submitter. Criteria: ACMG Guidelines, 2015. Collection method: clinical testing. Allele origin: germline.